The following is an entry in ClinVar:

ClinVar aggregate classification (germline): Uncertain significance (1 of 4 stars; one submission).

Conditions:
Fanconi anemia (FA). Also called: Fanconi's anemia. Identifiers: Orphanet 84, MedGen C0015625, MeSH D005199, MONDO:0019391.

Submission:

Labcorp Genetics (formerly Invitae), Labcorp
Classification: Uncertain significance for Fanconi anemia. Last evaluated: 2019-04-23. Review status: criteria provided, single submitter. Criteria: Invitae Variant Classification Sherloc (09022015). Collection method: clinical testing. Allele origin: germline.
Comment: This variant results in a copy number gain of the genomic region encompassing the full coding sequence of the FANCL gene. The boundaries of this event are unknown as they extend beyond the assayed region for this gene and therefore may encompass additional genes. As the precise location of this event is unknown, it may be in tandem or it may be located elsewhere in the genome. This variant has not been reported in the literature in individuals with FANCL-related conditions. Experimental studies and prediction algorithms are not available for this variant, and the functional significance of the affected amino acid(s) is currently unknown. In summary, the available evidence is currently insufficient to determine the role of this variant in disease. Therefore, it has been classified as a Variant of Uncertain Significance.

NC_000002.12:g.(?_58159755)_(58241323_?)dup

Genes: FANCL (FA complementation group L; minus strand), VRK2 (VRK serine/threonine kinase 2; plus strand). Cytogenetic location: 2p16.1.
Variant type: Duplication.
Identifiers: ClinVar variation 831291 (VCV000831291.2).